The following is an entry in ClinVar:

ClinVar aggregate classification (germline): Pathogenic. Review status: criteria provided, multiple submitters, no conflicts (2 of 4 stars). 5 submissions from 5 submitters: Pathogenic (5). Last evaluated 2024-01-11.

Conditions:
BBS9-related disorder. Also called: BBS9-related condition.
Bardet-Biedl syndrome (BBS). Identifiers: Orphanet 110, MedGen C0752166, MONDO:0015229.
Bardet-Biedl syndrome 9 (BBS9). Identifiers: Orphanet 110, MedGen C1859567, MONDO:0014437, OMIM 615986.
Abnormality of the eye. Identifiers: MedGen C4316870, HP:0000478.

Allele frequency attached by ClinVar (database versions not stated): TOPMed below 0.00001; gnomAD exomes 0.00001.
gnomAD v4.1: 9 of 1,613,106 alleles (0.00056%); highest among the groups gnomAD compares: Non-Finnish European, 0.00076%; no homozygotes.

Submissions (5):

Labcorp Genetics (formerly Invitae), Labcorp
Classification: Pathogenic for Bardet-Biedl syndrome. Last evaluated: 2024-01-11. Review status: criteria provided, single submitter. Criteria: Invitae Variant Classification Sherloc (09022015). Collection method: clinical testing. Allele origin: germline.
Comment: This sequence change creates a premature translational stop signal (p.Gln597*) in the BBS9 gene. It is expected to result in an absent or disrupted protein product. Loss-of-function variants in BBS9 are known to be pathogenic (PMID: 16380913, 20177705). This variant is not present in population databases (gnomAD no frequency). This premature translational stop signal has been observed in individuals with Bardet-Biedl syndrome (PMID: 24746959, 27708425). ClinVar contains an entry for this variant (Variation ID: 1074830). For these reasons, this variant has been classified as Pathogenic.

Baylor Genetics
Classification: Pathogenic for Bardet-Biedl syndrome 9. Last evaluated: 2023-09-26. Review status: criteria provided, single submitter. Criteria: ACMG Guidelines, 2015. Collection method: clinical testing. Allele origin: unknown.

Fulgent Genetics
Classification: Pathogenic for Bardet-Biedl syndrome 9. Last evaluated: 2021-12-16. Review status: criteria provided, single submitter. Criteria: ACMG Guidelines, 2015. Collection method: clinical testing. Allele origin: unknown.

Kariminejad - Najmabadi Pathology & Genetics Center
Classification: Pathogenic for Abnormality of the eye. Last evaluated: 2021-07-10. Review status: criteria provided, single submitter. Criteria: ACMG Guidelines, 2015. Collection method: clinical testing. Allele origin: germline. Affected: yes.

Blueprint Genetics
Classification: Pathogenic for BBS9-related disorders. Last evaluated: 2018-01-30. Review status: criteria provided, single submitter. Criteria: ACMG Guidelines, 2015. Collection method: clinical testing. Allele origin: germline. Affected: yes. Observed: 1 variant allele.

Literature cited by the submitters: PubMed 16380913 (cited by Labcorp Genetics (formerly Invitae), Labcorp); PubMed 20177705 (cited by Labcorp Genetics (formerly Invitae), Labcorp); PubMed 24746959 (cited by Labcorp Genetics (formerly Invitae), Labcorp); PubMed 27708425 (cited by Labcorp Genetics (formerly Invitae), Labcorp).

NM_198428.3(BBS9):c.1789C>T (p.Gln597Ter)

Gene: BBS9 (Bardet-Biedl syndrome 9; plus strand). Cytogenetic location: 7p14.3.
Variant type: single nucleotide variant.
Coding change: c.1789C>T on transcript NM_198428.3 (MANE Select); coding-DNA position 1789, C replaced by T.
Protein change: p.Gln597Ter; replaces glutamine 597 with a stop codon.
Molecular consequence: nonsense. On other transcripts: non-coding transcript variant (3).
Genome position (GRCh38, 1-based): chr7:33,367,862, C>T. VCF-style: chr7-33367862-C-T. GRCh37 (hg19) VCF-style: chr7-33407474-C-T.
Other names: c.1516C>T, p.Gln506Ter (NM_001348038.3); c.1411C>T, p.Gln471Ter (NM_001348039.3); c.1318C>T, p.Gln440Ter (NM_001348044.3); c.1423C>T, p.Gln475Ter (NM_001348045.3, NM_001348046.3, NM_001348037.3); c.1789C>T, p.Gln597Ter (NM_001362679.1, NM_001348041.4, NM_001348043.3 and 1 more transcripts); c.1669C>T, p.Gln557Ter (NM_001348040.3, NM_014451.4); c.1654C>T, p.Gln552Ter (NM_001348042.3); c.1684C>T, p.Gln562Ter (NM_001033604.2); and 1 more; short protein forms Q440*, Q471*, Q475*, Q506*, Q552*, Q557*, Q562*, Q592*.
Identifiers: ClinVar variation 1074830 (VCV001074830.33), dbSNP rs948418225, ClinGen allele CA156729975.